The following is an entry in ClinVar:

ClinVar aggregate classification (germline): Uncertain significance. Review status: criteria provided, multiple submitters, no conflicts (2 of 4 stars). 2 submissions from 2 submitters: Uncertain significance (2). Last evaluated 2025-05-19.

Conditions:
Mitochondrial complex II deficiency, nuclear type 1. Also called: SUCCINATE CoQ REDUCTASE DEFICIENCY. Identifiers: Orphanet 3208, MedGen C5700310, MONDO:0100294, OMIM 252011.
Pheochromocytoma/paraganglioma syndrome 5. Also called: Paragangliomas 5; SDHA-Related Hereditary Paraganglioma-Pheochromocytoma Syndrome. Identifiers: Orphanet 29072, MedGen C3279992, MONDO:0013602, OMIM 614165.
Hereditary cancer-predisposing syndrome. Also called: Hereditary Cancer Syndrome; Neoplastic Syndromes, Hereditary; Tumor predisposition; Hereditary neoplastic syndrome. Identifiers: Orphanet 140162, MedGen C0027672, MeSH D009386, MONDO:0015356.

Allele frequency attached by ClinVar (database versions not stated): gnomAD exomes below 0.00001; TOPMed below 0.00001; ExAC 0.00001.
gnomAD v4.1: 2 of 1,614,144 alleles (0.00012%); highest among the groups gnomAD compares: African/African-American, 0.0013%; no homozygotes.

Submissions (2):

Labcorp Genetics (formerly Invitae), Labcorp
Classification: Uncertain significance for Pheochromocytoma/paraganglioma syndrome 5; Mitochondrial complex II deficiency, nuclear type 1. Last evaluated: 2025-05-19. Review status: criteria provided, single submitter. Criteria: Invitae Variant Classification Sherloc (09022015). Collection method: clinical testing. Allele origin: germline.
Comment: This sequence change replaces arginine, which is basic and polar, with lysine, which is basic and polar, at codon 207 of the SDHA protein (p.Arg207Lys). This variant is present in population databases (rs780411478, gnomAD 0.01%). This variant has not been reported in the literature in individuals affected with SDHA-related conditions. ClinVar contains an entry for this variant (Variation ID: 934412). An algorithm developed to predict the effect of missense changes on protein structure and function (PolyPhen-2) suggests that this variant is likely to be disruptive. In summary, the available evidence is currently insufficient to determine the role of this variant in disease. Therefore, it has been classified as a Variant of Uncertain Significance.

Ambry Genetics
Classification: Uncertain significance for Hereditary cancer-predisposing syndrome. Last evaluated: 2025-03-07. Review status: criteria provided, single submitter. Criteria: Ambry Variant Classification Scheme 2023. Collection method: clinical testing. Allele origin: germline.
Comment: The p.R207K variant (also known as c.620G>A), located in coding exon 5 of the SDHA gene, results from a G to A substitution at nucleotide position 620. The arginine at codon 207 is replaced by lysine, an amino acid with highly similar properties. This amino acid position is conserved. In addition, the in silico prediction for this alteration is inconclusive. Since supporting evidence is limited at this time, the clinical significance of this alteration remains unclear.

NM_004168.4(SDHA):c.620G>A (p.Arg207Lys)

Gene: SDHA (succinate dehydrogenase complex flavoprotein subunit A; plus strand). Cytogenetic location: 5p15.33.
Variant type: single nucleotide variant.
Coding change: c.620G>A on transcript NM_004168.4 (MANE Select); coding-DNA position 620, G replaced by A.
Protein change: p.Arg207Lys; replaces arginine 207 with lysine.
Molecular consequence: missense variant.
Genome position (GRCh38, 1-based): chr5:226,046, G>A. VCF-style: chr5-226046-G-A. GRCh37 (hg19) VCF-style: chr5-226161-G-A.
Other names: c.476G>A, p.Arg159Lys (NM_001294332.2); c.620G>A, p.Arg207Lys (NM_001330758.2); c.620G>A (NM_004168.2); short protein forms R159K, R207K.
Identifiers: ClinVar variation 934412 (VCV000934412.12), dbSNP rs780411478, ClinGen allele CA3172892.